The following is an entry in ClinVar:

ClinVar aggregate classification (germline): Pathogenic/Likely pathogenic. Review status: criteria provided, multiple submitters, no conflicts (2 of 4 stars). 8 submissions from 8 submitters: Pathogenic (3); Likely pathogenic (4). 1 of the submissions does not count toward it. Last evaluated 2026-06-11.

Conditions:
COL1A2-related disorder. Also called: COL1A2-Related Disorders; COL1A2-related condition.
Ehlers-Danlos syndrome, cardiac valvular type. Identifiers: Orphanet 230851, MedGen C4303789, MONDO:0009159, OMIM 225320.
Ehlers-Danlos syndrome, arthrochalasia type. Also called: Ehlers-Danlos syndrome, arthrochalasis type; Ehlers-Danlos syndrome, arthrochalasia type, 1; ARTHROCHALASIS MULTIPLEX CONGENITA; EDS VII, MUTANT PROCOLLAGEN TYPE; EDS VIIA. Identifiers: Orphanet 1899, Orphanet 99875, Orphanet 99876, MedGen C4551623, MONDO:0007525, OMIM 130060.
Osteogenesis imperfecta (OI). Identifiers: Orphanet 666, MedGen C0029434, MeSH D010013, MONDO:0019019.
Ehlers-Danlos syndrome, arthrochalasia type, 2. Also called: EHLERS-DANLOS SYNDROME, TYPE VIIB, AUTOSOMAL DOMINANT. Identifiers: MedGen CN293783, MONDO:0040501, OMIM 617821.
Osteogenesis imperfecta with normal sclerae, dominant form (OI4). Also called: OSTEOGENESIS IMPERFECTA, TYPE IV, WITH DENTINOGENESIS IMPERFECTA; OSTEOGENESIS IMPERFECTA WITH NORMAL SCLERAE; Osteogenesis imperfecta type 4; Osteogenesis Imperfecta Type IV; Common Variable Osteogenesis Imperfecta with Normal Sclerae. Identifiers: Orphanet 216820, Orphanet 666, MedGen C0268363, MONDO:0008148, OMIM 166220.
Osteogenesis imperfecta, perinatal lethal (OI2). Also called: OSTEOGENESIS IMPERFECTA, TYPE II; Osteogenesis imperfecta type 2; OI, TYPE II; OSTEOGENESIS IMPERFECTA CONGENITA; VROLIK TYPE OF OSTEOGENESIS IMPERFECTA; Osteogenesis imperfecta, dominant perinatal lethal. Identifiers: Orphanet 216804, MedGen C0268358, MONDO:0008147, OMIM 166210.
Osteogenesis imperfecta type III (OI3). Also called: Osteogenesis imperfecta type 3; OI type 3; Osteogenesis imperfecta, progressively deforming with normal sclerae; OI type III; Progressively Deforming Osteogenesis Imperfecta. Identifiers: Orphanet 216812, Orphanet 666, MedGen C0268362, MONDO:0009804, OMIM 259420.
Combined osteogenesis imperfecta and Ehlers-Danlos syndrome 2. Also called: OIEDS SYNDROME 2. Identifiers: MedGen C5436847, MONDO:0030855, OMIM 619120.
Osteoporosis. Identifiers: MedGen C0029456, MONDO:0005298, OMIM 166710, HP:0000939.
Cardiovascular phenotype. Identifiers: MedGen CN230736.
Osteogenesis imperfecta type I (OI1). Also called: OI, TYPE I; OSTEOGENESIS IMPERFECTA TARDA; OSTEOGENESIS IMPERFECTA WITH BLUE SCLERAE; Osteogenesis imperfecta type 1; Lobstein disease; Classic Non-deforming Osteogenesis Imperfecta with Blue Sclerae. Identifiers: Orphanet 216796, Orphanet 666, MedGen C0023931, MONDO:0008146, OMIM 166200. Disease mechanism: loss of function.
Ehlers-Danlos syndrome, classic type, 1 (EDSCL1). Also called: Ehlers-Danlos Syndrome, Classic Type, COL5A1-Related; EHLERS-DANLOS SYNDROME, GRAVIS TYPE; EHLERS-DANLOS SYNDROME, SEVERE CLASSIC TYPE; EDS I; Ehlers-Danlos syndrome, type 1. Identifiers: MedGen C0268335, MONDO:0019567, OMIM 130000.

Allele frequency attached by ClinVar (database versions not stated): gnomAD 0.00002; TOPMed 0.00003.
gnomAD v4.1: 75 of 1,613,994 alleles (0.0046%); highest among the groups gnomAD compares: Middle Eastern, 0.016%; no homozygotes.

Submissions 1 to 4 of 8:

Victorian Clinical Genetics Services, Murdoch Childrens Research Institute
Classification: Likely pathogenic for Combined osteogenesis imperfecta and Ehlers-Danlos syndrome 2. Last evaluated: 2026-06-11. Review status: criteria provided, single submitter. Criteria: ACMG Guidelines, 2015. Collection method: clinical testing. Allele origin: germline. Affected: yes.
Comment: This variant is classified as Likely pathogenic. Evidence in support of pathogenic classification: Variant is present in gnomAD <0.01 (v4: 75 heterozygote(s), 0 homozygote(s)) ; This variant has strong previous evidence of pathogenicity in unrelated individuals. It has been reported in individuals with Ehlers-Danlos syndrome, including one de novo occurrence, and an individual with osteogenesis imperfecta type IV (PMIDs: 31794058, 36896471, 31414283). In addition, it has been classified as pathogenic and likely pathogenic by multiple clinical laboratories (ClinVar); Another missense variant(s) comparable to the one identified in this case has moderate previous evidence for pathogenicity. p.(Gly919Asp) has been reported in a fetus with osteogenesis imperfecta type II and a family with osteogenesis imperfecta type III (PMIDs: 24863959, 35052464) and has been classified as pathogenic by a clinical laboratory (ClinVar); Variant is located in the well-established functional Gly-X-Y repeat region and affects a glycine residue (DECIPHER); Missense variant predicted to be damaging by in silico tool(s) or highly conserved with a major amino acid change. Additional information: Variant is predicted to result in a missense amino acid change from Gly to Ser; This variant is heterozygous; This gene is associated with both recessive and dominant disease. Most phenotypes associated with this gene are autosomal dominant; however, the cardiac valvular type of Ehlers-Danlos syndrome (MIM#225320) is recessive (OMIM); Alternative amino acid change(s) at the same position are present in gnomAD (highest allele count: v4: 1 heterozygote(s), 0 homozygote(s)); No published functional evidence has been identified for this variant; Dominant negative and loss of function are known mechanisms of disease in this gene. Heterozygous missense variants causing severe forms of osteogenesis imperfecta (MIM#s166210, 259420 & 166220) are due to a dominant negative mechanism, whereas biallelic loss of function variants result in the autosomal recessive form of Ehlers-Danlos syndrome (MIM#225320). The exact mechanism of disease for the autosomal dominant form of Ehlers-Danlos syndrome (MIM#2617821) remains unclear; however, variants have been shown to result in the whole or partial skipping of exon 6 (PMID: 12362985, PMID: 31218159); Variants in this gene are known to have variable expressivity (PMID: 20301472).

GeneDx
Classification: Pathogenic. Last evaluated: 2026-01-11. Review status: criteria provided, single submitter. Criteria: GeneDx Variant Classification Process June 2021. Collection method: clinical testing. Allele origin: germline. Affected: yes.
Comment: Reported in additional patients with variable connective tissue phenotypes in the published literature; however, family history and segregation information was not available in all cases (PMID: 31414283, 36896471, 37079061); Occurs in the triple helical domain and replaces a glycine in a canonical Gly-X-Y repeat; missense substitution of a canonical glycine residue is expected to disrupt normal protein folding and function, and this is an established mechanism of disease (PMID: 34007986); In silico analysis supports that this missense variant has a deleterious effect on protein structure/function; This variant is associated with the following publications: (PMID: 31794058, 33110269, 8218237, 34007986, 7695699, 36896471, 31414283, 37079061, 38702915)

Labcorp Genetics (formerly Invitae), Labcorp
Classification: Pathogenic for Osteogenesis imperfecta type I; Ehlers-Danlos syndrome, classic type, 1. Last evaluated: 2025-08-25. Review status: criteria provided, single submitter. Criteria: Invitae Variant Classification Sherloc (09022015). Collection method: clinical testing. Allele origin: germline.
Comment: This sequence change replaces glycine, which is neutral and non-polar, with serine, which is neutral and polar, at codon 919 of the COL1A2 protein (p.Gly919Ser). This variant is present in population databases (rs749621872, gnomAD 0.02%). This missense change has been observed in individual(s) with autosomal dominant COL1A2-related conditions (PMID: 31414283, 31794058). ClinVar contains an entry for this variant (Variation ID: 1068896). Invitae Evidence Modeling of protein sequence and biophysical properties (such as structural, functional, and spatial information, amino acid conservation, physicochemical variation, residue mobility, and thermodynamic stability) indicates that this missense variant is expected to disrupt COL1A2 protein function with a positive predictive value of 95%. This variant disrupts the triple helix domain of COL1A2. Glycine residues within the Gly-Xaa-Yaa repeats of the triple helix domain are required for the structure and stability of fibrillar collagens (PMID: 7695699, 8218237, 19344236). In COL1A2, variants affecting these glycine residues are significantly enriched in individuals with disease (PMID: 9016532, 17078022) compared to the general population (ExAC). For these reasons, this variant has been classified as Pathogenic.

Variantyx, Inc.
Classification: Likely pathogenic for Ehlers-Danlos syndrome, arthrochalasia type, 2. Last evaluated: 2025-03-18. Review status: criteria provided, single submitter. Criteria: Variantyx Assertion Criteria 2022. Collection method: clinical testing. Allele origin: germline.
Comment: This is a nonsynonymous variant in the COL1A2 gene (OMIM: 120160). Pathogenic variants in this gene have been associated with autosomal dominant Ehlers-Danlos syndrome, arthrochalasia type 2. This variant likely occurred de novo in individual(s) from the published literature, however, the possibility of parental germline mosaicism cannot be excluded (PMID: 31794058) (PS2). This variant lies within a known hotspot for pathogenic variants or a well-established critical functional domain of the COL1A2 protein (PMID: 7695699, 8218237, 19344236) (PM1). Multiple computational algorithms predict a deleterious effect for this variant (REVEL score: 0.99) (PP3_Moderate). This variant has a 0.0134% maximum allele frequency in non-founder control populations. Based on the current evidence, this variant is classified as likely pathogenic for autosomal dominant Ehlers-Danlos syndrome, arthrochalasia type 2.

NM_000089.4(COL1A2):c.2755G>A (p.Gly919Ser)

Gene: COL1A2 (collagen type I alpha 2 chain; plus strand). Cytogenetic location: 7q21.3.
Variant type: single nucleotide variant.
Coding change: c.2755G>A on transcript NM_000089.4 (MANE Select); coding-DNA position 2755, G replaced by A.
Protein change: p.Gly919Ser; replaces glycine 919 with serine.
Molecular consequence: missense variant.
Genome position (GRCh38, 1-based): chr7:94,425,198, G>A. VCF-style: chr7-94425198-G-A. GRCh37 (hg19) VCF-style: chr7-94054510-G-A.
Other names: short protein forms G919S.
Identifiers: ClinVar variation 1068896 (VCV001068896.26), dbSNP rs749621872, ClinGen allele CA4347547.